The following is an entry in ClinVar:

ClinVar aggregate classification (germline): Uncertain significance (1 of 4 stars; one submission).

Conditions:
Wilms tumor 1 (WT1). Also called: Wilms tumor, somatic. Identifiers: Orphanet 654, MedGen CN033288, MONDO:0008679, OMIM 194070.

Allele frequency attached by ClinVar (database versions not stated): ExAC 0.00001; gnomAD exomes 0.00001.
gnomAD v4.1: 10 of 1,201,717 alleles (0.00083%); highest among the groups gnomAD compares: East Asian, 0.024%; no homozygotes.

Submission:

Labcorp Genetics (formerly Invitae), Labcorp
Classification: Uncertain significance for Wilms tumor 1. Last evaluated: 2022-07-21. Review status: criteria provided, single submitter. Criteria: Invitae Variant Classification Sherloc (09022015). Collection method: clinical testing. Allele origin: germline.
Comment: In summary, the available evidence is currently insufficient to determine the role of this variant in disease. Therefore, it has been classified as a Variant of Uncertain Significance. Algorithms developed to predict the effect of missense changes on protein structure and function output the following: SIFT: "Tolerated"; PolyPhen-2: "Benign"; Align-GVGD: "Class C0". The valine amino acid residue is found in multiple mammalian species, which suggests that this missense change does not adversely affect protein function. ClinVar contains an entry for this variant (Variation ID: 1025379). This variant has not been reported in the literature in individuals affected with GPC3-related conditions. This variant is present in population databases (rs750138489, gnomAD 0.01%), including at least one homozygous and/or hemizygous individual. This sequence change replaces alanine, which is neutral and non-polar, with valine, which is neutral and non-polar, at codon 535 of the GPC3 protein (p.Ala535Val).

NM_004484.4(GPC3):c.1604C>T (p.Ala535Val)

Gene: GPC3 (glypican 3; minus strand). Cytogenetic location: Xq26.2.
Variant type: single nucleotide variant.
Coding change: c.1604C>T on transcript NM_004484.4 (MANE Select); coding-DNA position 1604, C replaced by T.
Protein change: p.Ala535Val; replaces alanine 535 with valine.
Molecular consequence: missense variant.
Genome position (GRCh38, 1-based): chrX:133,536,263, G>A on the plus strand (C>T on the coding strand, the complement: GPC3 is on the minus strand). VCF-style: chrX-133536263-G-A. GRCh37 (hg19) VCF-style: chrX-132670291-G-A.
Other names: c.1673C>T, p.Ala558Val (NM_001164617.2); c.1556C>T, p.Ala519Val (NM_001164618.2); c.1442C>T, p.Ala481Val (NM_001164619.2); short protein forms A481V, A519V, A535V, A558V.
Identifiers: ClinVar variation 1025379 (VCV001025379.9), dbSNP rs750138489, ClinGen allele CA10520644.
Genomic context (GRCh38, chrX:133,536,263, plus strand): 5'-AGGTTGTGAAAGGTGCTTATCTCGTTGTCCTTCGGAGTTGCCTGCTGACTGTTTCCAGGC[G>A]CATCATCCACATCCAGATCATAGGCCAGTTCTGTCAATCAAAAGAGAAGGATTTGAAATG-3'
Protein context (NP_004475.1, residues 525-545): ELAYDLDVDD[Ala535Val]PGNSQQATPK